The following is an entry in ClinVar:

NM_000245.4(MET):c.682T>G (p.Phe228Val)

Gene: MET (MET proto-oncogene, receptor tyrosine kinase; plus strand). Cytogenetic location: 7q31.2.
Variant type: single nucleotide variant.
Coding change: c.682T>G on transcript NM_000245.4 (MANE Select); coding-DNA position 682, T replaced by G.
Protein change: p.Phe228Val; replaces phenylalanine 228 with valine.
Molecular consequence: missense variant. On other transcripts: intron variant (1).
Genome position (GRCh38, 1-based): chr7:116,699,766, T>G. VCF-style: chr7-116699766-T-G. GRCh37 (hg19) VCF-style: chr7-116339820-T-G.
Other names: c.682T>G, p.Phe228Val (NM_001127500.3, NM_001324401.3); c.-91+27189T>G (NM_001324402.2); short protein forms F228V.
Identifiers: ClinVar variation 1755680 (VCV001755680.2), dbSNP rs921083171, ClinGen allele CA368969614.

ClinVar aggregate classification (germline): Uncertain significance (1 of 4 stars; one submission).

Conditions:
Hereditary cancer-predisposing syndrome. Also called: Neoplastic Syndromes, Hereditary; Tumor predisposition; Hereditary Cancer Syndrome; Hereditary neoplastic syndrome. Identifiers: Orphanet 140162, MedGen C0027672, MeSH D009386, MONDO:0015356.

Submission:

Ambry Genetics
Classification: Uncertain significance for Hereditary cancer-predisposing syndrome. Last evaluated: 2022-04-24. Review status: criteria provided, single submitter. Criteria: Ambry Variant Classification Scheme 2023. Collection method: clinical testing. Allele origin: germline.
Comment: The p.F228V variant (also known as c.682T>G), located in coding exon 1 of the MET gene, results from a T to G substitution at nucleotide position 682. The phenylalanine at codon 228 is replaced by valine, an amino acid with highly similar properties. This amino acid position is conserved. In addition, the in silico prediction for this alteration is inconclusive. Since supporting evidence is limited at this time, the clinical significance of this alteration remains unclear.